The following is an entry in ClinVar:

ClinVar aggregate classification (germline): Uncertain significance (1 of 4 stars; one submission).

Submission:

Labcorp Genetics (formerly Invitae), Labcorp
Classification: Uncertain significance. Last evaluated: 2025-01-23. Review status: criteria provided, single submitter. Criteria: Invitae Variant Classification Sherloc (09022015). Collection method: clinical testing. Allele origin: germline.
Comment: This sequence change replaces phenylalanine, which is neutral and non-polar, with tyrosine, which is neutral and polar, at codon 439 of the WFS1 protein (p.Phe439Tyr). This variant is not present in population databases (gnomAD no frequency). This variant has not been reported in the literature in individuals affected with WFS1-related conditions. ClinVar contains an entry for this variant (Variation ID: 2853679). Invitae Evidence Modeling of protein sequence and biophysical properties (such as structural, functional, and spatial information, amino acid conservation, physicochemical variation, residue mobility, and thermodynamic stability) has been performed for this missense variant. However, the output from this modeling did not meet the statistical confidence thresholds required to predict the impact of this variant on WFS1 protein function. In summary, the available evidence is currently insufficient to determine the role of this variant in disease. Therefore, it has been classified as a Variant of Uncertain Significance.

NM_006005.3(WFS1):c.1316T>A (p.Phe439Tyr)

Gene: WFS1 (wolframin ER transmembrane glycoprotein; plus strand). Cytogenetic location: 4p16.1.
Variant type: single nucleotide variant.
Coding change: c.1316T>A on transcript NM_006005.3 (MANE Select); coding-DNA position 1316, T replaced by A.
Protein change: p.Phe439Tyr; replaces phenylalanine 439 with tyrosine.
Molecular consequence: missense variant.
Genome position (GRCh38, 1-based): chr4:6,301,111, T>A. VCF-style: chr4-6301111-T-A. GRCh37 (hg19) VCF-style: chr4-6302838-T-A.
Other names: c.1316T>A, p.Phe439Tyr (NM_001145853.1); short protein forms F439Y.
Identifiers: ClinVar variation 2853679 (VCV002853679.3), dbSNP rs141585847, ClinGen allele CA356174664.